The following is an entry in ClinVar:

ClinVar aggregate classification (germline): Conflicting classifications of pathogenicity. Review status: criteria provided, conflicting classifications (1 of 4 stars). 2 submissions from 2 submitters: Uncertain significance (1); Likely benign (1). Last evaluated 2026-01-25.

Conditions:
Familial thoracic aortic aneurysm and aortic dissection (TAAD). Also called: Thoracic aortic aneurysms and dissections. Identifiers: Orphanet 91387, MedGen C4707243, MONDO:0019625.

gnomAD v4.1: 2 of 1,600,120 alleles (0.00012%); highest among the groups gnomAD compares: Non-Finnish European, 0.00017%; no homozygotes.

Submissions (2):

Labcorp Genetics (formerly Invitae), Labcorp
Classification: Likely benign for Familial thoracic aortic aneurysm and aortic dissection. Last evaluated: 2026-01-25. Review status: criteria provided, single submitter. Criteria: Invitae Variant Classification Sherloc (09022015). Collection method: clinical testing. Allele origin: germline.

Ambry Genetics
Classification: Uncertain significance for Familial thoracic aortic aneurysm and aortic dissection. Last evaluated: 2018-02-15. Review status: criteria provided, single submitter. Criteria: Ambry Variant Classification Scheme 2023. Collection method: clinical testing. Allele origin: germline.
Comment: The c.1387-4G>C intronic variant results from a G to C substitution 4 nucleotides upstream from coding exon 9 in the TGFBR1 gene. This nucleotide position is not well conserved in available vertebrate species. Using the BDGP and ESEfinder splice site prediction tools, this alteration is not predicted to have any significant effect on this splice acceptor site; however, direct evidence is unavailable. Since supporting evidence is limited at this time, the clinical significance of this alteration remains unclear.

NM_004612.4(TGFBR1):c.1387-4G>C

Gene: TGFBR1 (transforming growth factor beta receptor 1; plus strand). Cytogenetic location: 9q22.33.
Variant type: single nucleotide variant.
Coding change: c.1387-4G>C on transcript NM_004612.4 (MANE Select); 4 bases into the intron before coding-DNA position 1387, G replaced by C.
Molecular consequence: intron variant.
Genome position (GRCh38, 1-based): chr9:99,149,176, G>C. VCF-style: chr9-99149176-G-C. GRCh37 (hg19) VCF-style: chr9-101911458-G-C.
Other names: c.1399-4G>C (NM_001306210.2); c.1156-4G>C (NM_001130916.3).
Identifiers: ClinVar variation 1771425 (VCV001771425.5), dbSNP rs397517031, ClinGen allele CA2580080889.